The following is an entry in ClinVar:

NM_003079.5(SMARCE1):c.1087A>G (p.Thr363Ala)

Gene: SMARCE1 (SWI/SNF related BAF chromatin remodeling complex subunit E1; minus strand). Cytogenetic location: 17q21.2.
Variant type: single nucleotide variant.
Coding change: c.1087A>G on transcript NM_003079.5 (MANE Select); coding-DNA position 1087, A replaced by G.
Protein change: p.Thr363Ala; replaces threonine 363 with alanine.
Molecular consequence: missense variant.
Genome position (GRCh38, 1-based): chr17:40,628,934, T>C on the plus strand (A>G on the coding strand, the complement: SMARCE1 is on the minus strand). VCF-style: chr17-40628934-T-C. GRCh37 (hg19) VCF-style: chr17-38785186-T-C.
Other names: short protein forms T363A.
Identifiers: ClinVar variation 463414 (VCV000463414.13), dbSNP rs1555605096, ClinGen allele CA399361498.

ClinVar aggregate classification (germline): Conflicting classifications of pathogenicity. Review status: criteria provided, conflicting classifications (1 of 4 stars). 3 submissions from 3 submitters: Uncertain significance (2); Likely benign (1). Last evaluated 2025-02-23.

Conditions:
Hereditary cancer-predisposing syndrome. Also called: Neoplastic Syndromes, Hereditary; Hereditary Cancer Syndrome; Hereditary neoplastic syndrome; Tumor predisposition. Identifiers: Orphanet 140162, MedGen C0027672, MeSH D009386, MONDO:0015356.
Familial meningioma. Also called: Meningioma, familial, susceptibility to. Identifiers: Orphanet 263662, MedGen C3551915, MONDO:0011789, OMIM 607174.

Allele frequency attached by ClinVar (database versions not stated): TOPMed below 0.00001.

Submissions (3):

GeneDx
Classification: Uncertain significance. Last evaluated: 2025-02-23. Review status: criteria provided, single submitter. Criteria: GeneDx Variant Classification Process June 2021. Collection method: clinical testing. Allele origin: germline. Affected: yes.
Comment: Not observed at significant frequency in large population cohorts (gnomAD); In silico analysis indicates that this missense variant does not alter protein structure/function; Has not been previously published as pathogenic or benign to our knowledge; This variant is associated with the following publications: (PMID: 19245665)

Ambry Genetics
Classification: Likely benign for Hereditary cancer-predisposing syndrome. Last evaluated: 2025-02-12. Review status: criteria provided, single submitter. Criteria: Ambry Variant Classification Scheme 2023. Collection method: clinical testing. Allele origin: germline.

Labcorp Genetics (formerly Invitae), Labcorp
Classification: Uncertain significance for Familial meningioma. Last evaluated: 2022-08-09. Review status: criteria provided, single submitter. Criteria: Invitae Variant Classification Sherloc (09022015). Collection method: clinical testing. Allele origin: germline.
Comment: This variant has not been reported in the literature in individuals affected with SMARCE1-related conditions. In summary, the available evidence is currently insufficient to determine the role of this variant in disease. Therefore, it has been classified as a Variant of Uncertain Significance. Algorithms developed to predict the effect of missense changes on protein structure and function (SIFT, PolyPhen-2, Align-GVGD) all suggest that this variant is likely to be tolerated. ClinVar contains an entry for this variant (Variation ID: 463414). This variant is not present in population databases (gnomAD no frequency). This sequence change replaces threonine, which is neutral and polar, with alanine, which is neutral and non-polar, at codon 363 of the SMARCE1 protein (p.Thr363Ala).